The following is an entry in ClinVar:

ClinVar aggregate classification (germline): Uncertain significance. Review status: criteria provided, multiple submitters, no conflicts (2 of 4 stars). 2 submissions from 2 submitters: Uncertain significance (2). Last evaluated 2022-05-21.

Conditions:
Angelman syndrome (AS). Also called: HAPPY PUPPET SYNDROME. Identifiers: Orphanet 72, MedGen C0162635, MONDO:0007113, OMIM 105830. Disease mechanism: loss of function. Inheritance: AS is caused by disruption of maternally imprinted UBE3A located within the 15q11.2-q13 Angelman syndrome/Prader-Willi syndrome (AS/PWS) region., imprinting disorder.

Submissions (2):

Labcorp Genetics (formerly Invitae), Labcorp
Classification: Uncertain significance for Angelman syndrome. Last evaluated: 2022-05-21. Review status: criteria provided, single submitter. Criteria: Invitae Variant Classification Sherloc (09022015). Collection method: clinical testing. Allele origin: germline.
Comment: In summary, the available evidence is currently insufficient to determine the role of this variant in disease. Therefore, it has been classified as a Variant of Uncertain Significance. Algorithms developed to predict the effect of missense changes on protein structure and function are either unavailable or do not agree on the potential impact of this missense change (SIFT: "Not Available"; PolyPhen-2: "Probably Damaging"; Align-GVGD: "Not Available"). This variant has not been reported in the literature in individuals affected with UBE3A-related conditions. This variant is not present in population databases (gnomAD no frequency). This sequence change replaces tyrosine, which is neutral and polar, with histidine, which is basic and polar, at codon 220 of the UBE3A protein (p.Tyr220His).

Blueprint Genetics
Classification: Uncertain significance. Last evaluated: 2021-11-15. Review status: criteria provided, single submitter. Criteria: ACMG Guidelines, 2015. Collection method: clinical testing. Allele origin: germline.

NM_130839.5(UBE3A):c.718T>C (p.Tyr240His)

Genes: SNHG14 (small nucleolar RNA host gene 14; plus strand), UBE3A (ubiquitin protein ligase E3A; minus strand). Cytogenetic location: 15q11.2.
Variant type: single nucleotide variant.
Coding change: c.718T>C on transcript NM_130839.5 (MANE Select); coding-DNA position 718, T replaced by C.
Protein change: p.Tyr240His; replaces tyrosine 240 with histidine.
Molecular consequence: missense variant. On other transcripts: intron variant (2), non-coding transcript variant (1).
Genome position (GRCh38, 1-based): chr15:25,371,456, A>G on the plus strand (T>C on the coding strand, the complement: UBE3A is on the minus strand). VCF-style: chr15-25371456-A-G. GRCh37 (hg19) VCF-style: chr15-25616603-A-G.
Other names: c.361+4009T>C (NM_001354550.2); c.727T>C, p.Tyr243His (NM_000462.5); c.718T>C, p.Tyr240His (NM_001354505.1, NM_001354538.2, NM_001354545.2); c.658T>C, p.Tyr220His (NM_001354506.2, NM_001354507.2, NM_001354508.2 and 17 more transcripts); c.541T>C, p.Tyr181His (NM_001354546.2); c.301+4009T>C (NM_001354551.2); short protein forms Y181H, Y243H, Y240H, Y220H.
Identifiers: ClinVar variation 1997642 (VCV001997642.5), dbSNP rs2552191727, ClinGen allele CA391355225.
Genomic context (GRCh38, chr15:25,371,456, plus strand): 5'-AATATACAAGTGCATTGAGAAAGGCAGTTTCAATTTTTTCATTAGAGAGCAATCTGGTGT[A>G]GACCCTTCTAATGGCATCAATATCCACAGACACATCATCAGGGCCTAATTTTTGCAAATT-3'
Protein context (NP_570854.1, residues 230-250): SVDIDAIRRV[Tyr240His]TRLLSNEKIE